The following is an entry in ClinVar:

ClinVar aggregate classification (germline): Uncertain significance (1 of 4 stars; one submission).

Conditions:
Hereditary cancer-predisposing syndrome. Also called: Neoplastic Syndromes, Hereditary; Tumor predisposition; Hereditary Cancer Syndrome; Hereditary neoplastic syndrome. Identifiers: Orphanet 140162, MedGen C0027672, MeSH D009386, MONDO:0015356.

Submission:

Ambry Genetics
Classification: Uncertain significance for Hereditary cancer-predisposing syndrome. Last evaluated: 2025-09-20. Review status: criteria provided, single submitter. Criteria: Ambry Variant Classification Scheme 2023. Collection method: clinical testing. Allele origin: germline.
Comment: The p.M184L variant (also known as c.550A>C), located in coding exon 6 of the PMS2 gene, results from an A to C substitution at nucleotide position 550. The methionine at codon 184 is replaced by leucine, an amino acid with highly similar properties. This amino acid position is conserved. In addition, the in silico prediction for this alteration is inconclusive. Based on the available evidence, the clinical significance of this variant remains unclear.

NM_000535.7(PMS2):c.550A>C (p.Met184Leu)

Gene: PMS2 (PMS1 homolog 2, mismatch repair system component; minus strand). Cytogenetic location: 7p22.1.
Variant type: single nucleotide variant.
Coding change: c.550A>C on transcript NM_000535.7 (MANE Select); coding-DNA position 550, A replaced by C.
Protein change: p.Met184Leu; replaces methionine 184 with leucine.
Molecular consequence: missense variant. On other transcripts: non-coding transcript variant (1), intron variant (9).
Genome position (GRCh38, 1-based): chr7:5,999,263, T>G on the plus strand (A>C on the coding strand, the complement: PMS2 is on the minus strand). VCF-style: chr7-5999263-T-G. GRCh37 (hg19) VCF-style: chr7-6038894-T-G.
Other names: c.145A>C, p.Met49Leu (NM_001322003.2, NM_001322004.2, NM_001322005.2 and 21 more transcripts); c.550A>C, p.Met184Leu (NM_001322006.2, NM_001322014.2, NM_001406869.1 and 5 more transcripts); c.232A>C, p.Met78Leu (NM_001322007.2, NM_001322008.2, NM_001406876.1 and 4 more transcripts); c.241A>C, p.Met81Leu (NM_001322015.2, NM_001406875.1, NM_001406877.1 and 6 more transcripts); c.736A>C, p.Met246Leu (NM_001406866.1); c.574A>C, p.Met192Leu (NM_001406868.1); c.132+3190A>C (NM_001406911.1); c.133-1840A>C (NM_001322013.2, NM_001406909.1); and 4 more; short protein forms M246L, M49L, M184L, M192L, M78L, M81L.
Identifiers: ClinVar variation 4666808 (VCV004666808.1).
Genomic context (GRCh38, chr7:5,999,263, plus strand): 5'-TGGTGCAACTTACACGGATGCCTGCTGAAATGATACAGTATGCATGTAAGACCTGGACCA[T>G]TTTGGCATACTCCTGTTTAAAAAACACAAACACAATATTCTACATTACTTTAATATTATA-3'
Protein context (NP_000526.2, residues 174-194): QRNIKKEYAK[Met184Leu]VQVLHAYCII